The following is an entry in ClinVar:

NM_000260.4(MYO7A):c.2283-1G>T

Gene: MYO7A (myosin VIIA; plus strand). Cytogenetic location: 11q13.5.
Variant type: single nucleotide variant.
Coding change: c.2283-1G>T on transcript NM_000260.4 (MANE Select); the canonical splice acceptor site of the intron before coding-DNA position 2283, G replaced by T.
Molecular consequence: splice acceptor variant.
Genome position (GRCh38, 1-based): chr11:77,179,044, G>T. VCF-style: chr11-77179044-G-T. GRCh37 (hg19) VCF-style: chr11-76890090-G-T.
Other names: c.2250-1G>T (NM_001369365.1); c.2283-1G>T (NM_001127180.2).
Identifiers: ClinVar variation 43178 (VCV000043178.25), dbSNP rs397516295, ClinGen allele CA278646.

ClinVar aggregate classification (germline): Pathogenic. Review status: criteria provided, multiple submitters, no conflicts (2 of 4 stars). 12 submissions from 12 submitters: Pathogenic (7). 5 of the submissions do not count toward it. Last evaluated 2025-03-19.

Conditions:
Rare genetic deafness. Identifiers: Orphanet 96210, MedGen C5680250.
Usher syndrome type 1 (USH1). Also called: RETINITIS PIGMENTOSA AND CONGENITAL DEAFNESS. Identifiers: Orphanet 231169, Orphanet 886, MedGen C1568247, MONDO:0010168, OMIM 276900.
Autosomal recessive nonsyndromic hearing loss 2. Also called: NEUROSENSORY NONSYNDROMIC RECESSIVE DEAFNESS 2; DEAFNESS, AUTOSOMAL RECESSIVE 2. Identifiers: Orphanet 90636, MedGen C1838701, MONDO:0010807, OMIM 600060.
Retinal dystrophy. Also called: Inherited retinal dystrophy. Identifiers: Orphanet 71862, MedGen C0854723, MeSH D058499, MONDO:0019118, HP:0000556.
Autosomal dominant nonsyndromic hearing loss 11. Identifiers: Orphanet 90635, MedGen C1832475, MONDO:0011032, OMIM 601317.
Usher syndrome type 1B (USH1B). Also called: Usher syndrome type IB. Identifiers: MedGen C1848638, MONDO:0700087.

Allele frequency attached by ClinVar (database versions not stated): TOPMed 0.00001.
gnomAD v4.1: 9 of 1,602,728 alleles (0.00056%); highest among the groups gnomAD compares: Non-Finnish European, 0.00068%; no homozygotes.

Submissions (12):

Labcorp Genetics (formerly Invitae), Labcorp
Classification: Pathogenic. Last evaluated: 2025-03-19. Review status: criteria provided, single submitter. Criteria: Invitae Variant Classification Sherloc (09022015). Collection method: clinical testing. Allele origin: germline.
Comment: This sequence change affects an acceptor splice site in intron 19 of the MYO7A gene. It is expected to disrupt RNA splicing. Variants that disrupt the donor or acceptor splice site typically lead to a loss of protein function (PMID: 16199547), and loss-of-function variants in MYO7A are known to be pathogenic (PMID: 8900236, 25404053). This variant is not present in population databases (gnomAD no frequency). Disruption of this splice site has been observed in individuals with Usher syndrome (PMID: 16679490, 20497194, 25404053, 25798947, 31479088). ClinVar contains an entry for this variant (Variation ID: 43178). Studies have shown that disruption of this splice site alters mRNA splicing and is expected to lead to the loss of protein expression (PMID: 20497194). For these reasons, this variant has been classified as Pathogenic.

Dasa
Classification: Pathogenic. Last evaluated: 2025-01-27. Review status: criteria provided, single submitter. Criteria: DASA Assertion Criteria. Collection method: clinical testing. Allele origin: germline.
Comment: NM_000260.4(MYO7A):c.2283-1G>T introduces a premature termination codon predicted to result in loss of normal protein function. Loss-of-function is an established mechanism of disease for this gene. This variant has been observed in affected individuals with related phenotype in a genotype context consistent with recessive disease (PMID: 16679490; PMID: 20497194; PMID: 25404053; PMID: 25798947; PMID: 31479088). This variant has been recurrently observed in individuals with related phenotype (PMID: 16679490; PMID: 20497194; PMID: 25404053; PMID: 25798947; PMID: 31479088). The variant is present at low frequency in population datasets. Based on the available data, this variant is classified as pathogenic.

GeneDx
Classification: Pathogenic. Last evaluated: 2023-09-26. Review status: criteria provided, single submitter. Criteria: GeneDx Variant Classification Process June 2021. Collection method: clinical testing. Allele origin: germline. Affected: yes.
Comment: Canonical splice site variant in a gene for which loss-of-function is a known mechanism of disease; Not observed in large population cohorts (gnomAD); This variant is associated with the following publications: (PMID: 20497194, 25798947, 27440999, 31589614, 21569298, 16679490, 21436283, 20301442, 23647439, 24498627, 25560255, 31479088, 33576163, 25404053, 17361009, 35551639, 34948090, 27583663, 34194829)

3billion
Classification: Pathogenic for Usher syndrome type 1. Last evaluated: 2022-01-03. Review status: criteria provided, single submitter. Criteria: ACMG Guidelines, 2015. Collection method: clinical testing. Allele origin: germline. Affected: yes. Observed: 1 heterozygote.
Comment: Canonical splice site: predicted to alter splicing and result in a loss or disruption of normal protein function through protein truncation. Multiple pathogenic variants are reported in the predicted truncated region (PVS1_VS).The variant has been reported at least twice as pathogenic/likely pathogenic with clinical assertions and evidence for the classification (ClinVar ID: VCV000043178, 3billion dataset). It is not observed in the gnomAD v2.1.1 dataset (PM2_M). Therefore, this variant is classified as pathogenic according to the recommendation of ACMG/AMP guideline.

Institute of Human Genetics, Univ. Regensburg, Univ. Regensburg
Classification: Pathogenic for Retinal dystrophy. Last evaluated: 2021-01-01. Review status: criteria provided, single submitter. Criteria: ACMG Guidelines, 2015. Collection method: clinical testing. Allele origin: germline. Affected: yes.

Baylor Genetics
Classification: Pathogenic for Autosomal dominant nonsyndromic hearing loss 11. Last evaluated: 2019-09-13. Review status: criteria provided, single submitter. Criteria: ACMG Guidelines, 2015. Collection method: clinical testing. Allele origin: unknown. Affected: yes.
Comment: This variant was determined to be pathogenic according to ACMG Guidelines, 2015 [PMID:25741868]. This variant has been previously reported as pathogenic [PMID: 16679490, 25798947, 20497194, 25404053, ClinVar ID: 43178]

Laboratory for Molecular Medicine, Mass General Brigham Personalized Medicine
Classification: Pathogenic for Rare genetic deafness. Last evaluated: 2012-03-20. Review status: criteria provided, single submitter. Criteria: LMM Criteria. Collection method: clinical testing. Allele origin: germline. Inheritance: Autosomal recessive inheritance. Observed: 4 variant alleles.
Comment: The c.2283-1G>T variant in MYO7A has been reported in 8 probands with Usher synd rome (Roux 2011, Bonnet 2011, Jaijo 2011, Roux 2006). 6/8 of these probands were homozygous and 2/8 compound heterozygous. The variant segregated with the disea se in one family and it was absent from 200 control chromosomes (Jaijo 2011). Th e variant alters the invariant region of the 3' splice sequence which leads to s kipping of exon 20, as shown by the analysis of the RNA (Jaijo 2011). In summar y, this variant meets our criteria to be classified as pathogenic for autosomal recessive Usher syndrome.

Natera, Inc.
Classification: Pathogenic for Usher syndrome type 1B. Last evaluated: 2021-04-02. Review status: no assertion criteria provided. Collection method: clinical testing. Allele origin: germline. Not counted in ClinVar's aggregate classification.

Counsyl
Classification: Pathogenic for Usher syndrome type 1; Autosomal recessive nonsyndromic hearing loss 2. Last evaluated: 2018-05-30. Review status: no assertion criteria provided. Collection method: clinical testing. Allele origin: unknown. Not counted in ClinVar's aggregate classification.

Clinical Genetics DNA and cytogenetics Diagnostics Lab, Erasmus MC, Erasmus Medical Center
Classification: Likely pathogenic. Review status: no assertion criteria provided. Collection method: clinical testing. Allele origin: germline. Affected: yes. Study: VKGL Data-share Consensus. Not counted in ClinVar's aggregate classification.

GeneReviews
No classification provided. Condition: Usher syndrome type 1. Review status: no classification provided. Collection method: literature only. Allele origin: germline. Affected: yes. Not counted in ClinVar's aggregate classification.

Joint Genome Diagnostic Labs from Nijmegen and Maastricht, Radboudumc and MUMC+
Classification: Pathogenic. Review status: no assertion criteria provided. Collection method: clinical testing. Allele origin: germline. Affected: yes. Study: VKGL Data-share Consensus. Not counted in ClinVar's aggregate classification.

Literature cited by the submitters: PubMed 16199547 (cited by Labcorp Genetics (formerly Invitae), Labcorp); PubMed 8900236 (cited by Labcorp Genetics (formerly Invitae), Labcorp); PubMed 25404053 (cited by 4 submitters); PubMed 16679490 (cited by 5 submitters); PubMed 20497194 (cited by 6 submitters); PubMed 25798947 (cited by 4 submitters); PubMed 31479088 (cited by 3 submitters); PubMed 31589614 (cited by Institute of Human Genetics, Univ. Regensburg, Univ. Regensburg); PubMed 33576163 (cited by Institute of Human Genetics, Univ. Regensburg, Univ. Regensburg); PubMed 34948090 (cited by Institute of Human Genetics, Univ. Regensburg, Univ. Regensburg); PubMed 34194829 (cited by Institute of Human Genetics, Univ. Regensburg, Univ. Regensburg); PubMed 21569298 (cited by Laboratory for Molecular Medicine, Mass General Brigham Personalized Medicine and GeneReviews); PubMed 21436283 (cited by Laboratory for Molecular Medicine, Mass General Brigham Personalized Medicine and Counsyl); NCBI Bookshelf NBK1265 (cited by GeneReviews).